The following is an entry in ClinVar:

NM_001270508.2(TNFAIP3):c.2140C>G (p.Pro714Ala)

Gene: TNFAIP3 (TNF alpha induced protein 3; plus strand). Cytogenetic location: 6q23.3.
Variant type: single nucleotide variant.
Coding change: c.2140C>G on transcript NM_001270508.2 (MANE Select); coding-DNA position 2140, C replaced by G.
Protein change: p.Pro714Ala; replaces proline 714 with alanine.
Molecular consequence: missense variant.
Genome position (GRCh38, 1-based): chr6:137,881,086, C>G. VCF-style: chr6-137881086-C-G. GRCh37 (hg19) VCF-style: chr6-138202223-C-G.
Other names: c.2140C>G, p.Pro714Ala (NM_001270507.2, NM_006290.4); short protein forms P714A.
Identifiers: ClinVar variation 135347 (VCV000135347.5), dbSNP rs369155845, ClinGen allele CA162441.
Genomic context (GRCh38, chr6:137,881,086, plus strand): 5'-TCCACTCAGAGATCGAGCCAGCGCAGAGATGTGCCTCGAACCACACAAAGCACCTCAAGG[C>G]CCAAGTGCGCCCGGGCCTCCTGCAAGAACATCCTGGCCTGCCGCAGCGAGGAGCTCTGCA-3'
Protein context (NP_001257437.1, residues 704-724): VPRTTQSTSR[Pro714Ala]KCARASCKNI

ClinVar aggregate classification (germline): Uncertain significance. Review status: criteria provided, single submitter (1 of 4 stars). 2 submissions from 2 submitters: Uncertain significance (1). 1 of the submissions does not count toward it. Last evaluated 2024-11-05.

Allele frequency attached by ClinVar (database versions not stated): TOPMed 0.00001; ESP Exome Variant Server 0.00008.
gnomAD v4.1: 4 of 1,613,724 alleles (0.00025%); highest among the groups gnomAD compares: African/African-American, 0.0053%; no homozygotes.

Submissions (2):

Labcorp Genetics (formerly Invitae), Labcorp
Classification: Uncertain significance. Last evaluated: 2024-11-05. Review status: criteria provided, single submitter. Criteria: Invitae Variant Classification Sherloc (09022015). Collection method: clinical testing. Allele origin: germline.
Comment: This sequence change replaces proline, which is neutral and non-polar, with alanine, which is neutral and non-polar, at codon 714 of the TNFAIP3 protein (p.Pro714Ala). This variant is not present in population databases (gnomAD no frequency). This variant has not been reported in the literature in individuals affected with TNFAIP3-related conditions. ClinVar contains an entry for this variant (Variation ID: 135347). An algorithm developed to predict the effect of missense changes on protein structure and function (PolyPhen-2) suggests that this variant is likely to be tolerated. In summary, the available evidence is currently insufficient to determine the role of this variant in disease. Therefore, it has been classified as a Variant of Uncertain Significance.

ITMI
No classification provided. Condition: AllHighlyPenetrant. Last evaluated: 2013-09-19. Review status: no classification provided. Collection method: reference population. Allele origin: germline. Not counted in ClinVar's aggregate classification.
Comment: Please see associated publication for description of ethnicities

Literature cited by the submitters: PubMed 24728327 (cited by ITMI).